The following is an entry in ClinVar:

NM_001267550.2(TTN):c.57991T>C (p.Phe19331Leu)

Genes: TTN (titin; minus strand), TTN-AS1 (TTN antisense RNA 1; plus strand). Cytogenetic location: 2q31.2.
Variant type: single nucleotide variant.
Coding change: c.57991T>C on transcript NM_001267550.2 (MANE Select); coding-DNA position 57991, T replaced by C.
Protein change: p.Phe19331Leu; replaces phenylalanine 19331 with leucine.
Molecular consequence: missense variant.
Genome position (GRCh38, 1-based): chr2:178,594,503, A>G on the plus strand (T>C on the coding strand, the complement: TTN is on the minus strand). VCF-style: chr2-178594503-A-G. GRCh37 (hg19) VCF-style: chr2-179459230-A-G.
Other names: p.Phe17690Leu; c.53068T>C, p.Phe17690Leu (NM_001256850.1); c.30796T>C, p.Phe10266Leu (NM_003319.4); c.50287T>C, p.Phe16763Leu (NM_133378.4); c.31171T>C, p.Phe10391Leu (NM_133432.3); c.31372T>C, p.Phe10458Leu (NM_133437.4); short protein forms F10266L, F10391L, F10458L, F16763L, F17690L, F19331L.
Identifiers: ClinVar variation 3380883 (VCV003380883.1).
Genomic context (GRCh38, chr2:178,594,503, plus strand): 5'-CTTTTAAGCCTTTAACAGTGTATTTTCTGCTAAGCAAGTTGTCATTTGTAACTTTGTGGA[A>G]CTTCTCAGTCCCAATGAGCCGACTTTCTAGGACATAGTTAATAATTTCTGACCCACCATC-3'
Protein context (NP_001254479.2, residues 19321-19341): LESRLIGTEK[Phe19331Leu]HKVTNDNLLS

ClinVar aggregate classification (germline): Uncertain significance (1 of 4 stars; one submission).

gnomAD v4.1: 4 of 1,613,410 alleles (0.00025%); highest among the groups gnomAD compares: Non-Finnish European, 0.00034%; no homozygotes.

Submission:

Mayo Clinic Laboratories, Mayo Clinic
Classification: Uncertain significance. Last evaluated: 2024-02-20. Review status: criteria provided, single submitter. Criteria: ACMG Guidelines, 2015. Collection method: clinical testing. Allele origin: germline. Observed: 1 variant allele.
Comment: PM2